The following is an entry in ClinVar:

ClinVar aggregate classification (germline): Likely benign. Review status: criteria provided, single submitter (1 of 4 stars). 2 submissions from 2 submitters: Likely benign (1). 1 of the submissions does not count toward it. Last evaluated 2023-04-12.

Conditions:
ERBB4-related disorder. Also called: ERBB4-related condition.

Allele frequency attached by ClinVar (database versions not stated): gnomAD exomes 0.00002; ExAC 0.00003; gnomAD 0.00003; TOPMed 0.00003; ESP Exome Variant Server 0.00015.
gnomAD v4.1: 28 of 1,613,078 alleles (0.0017%); highest among the groups gnomAD compares: Non-Finnish European, 0.0024%; no homozygotes.

Submissions (2):

Labcorp Genetics (formerly Invitae), Labcorp
Classification: Likely benign. Last evaluated: 2023-04-12. Review status: criteria provided, single submitter. Criteria: Invitae Variant Classification Sherloc (09022015). Collection method: clinical testing. Allele origin: germline.

PreventionGenetics, part of Exact Sciences
Classification: Likely benign for ERBB4-related condition. Last evaluated: 2024-06-06. Review status: no assertion criteria provided. Collection method: clinical testing. Allele origin: germline. Not counted in ClinVar's aggregate classification.
Comment: This variant is classified as likely benign based on ACMG/AMP sequence variant interpretation guidelines (Richards et al. 2015 PMID: 25741868, with internal and published modifications).

NM_005235.3(ERBB4):c.1617T>C (p.Tyr539=)

Gene: ERBB4 (erb-b2 receptor tyrosine kinase 4; minus strand). Cytogenetic location: 2q34.
Variant type: single nucleotide variant.
Coding change: c.1617T>C on transcript NM_005235.3 (MANE Select); coding-DNA position 1617, T replaced by C.
Protein change: p.Tyr539=; no amino-acid change (tyrosine 539 retained).
Molecular consequence: synonymous variant.
Genome position (GRCh38, 1-based): chr2:211,679,057, A>G on the plus strand (T>C on the coding strand, the complement: ERBB4 is on the minus strand). VCF-style: chr2-211679057-A-G. GRCh37 (hg19) VCF-style: chr2-212543782-A-G.
Other names: c.1617T>C, p.Tyr539= (NM_001042599.2).
Identifiers: ClinVar variation 3018431 (VCV003018431.4), dbSNP rs367762241, ClinGen allele CA2088095.